The following is an entry in ClinVar:

NM_000532.5(PCCB):c.82C>T (p.Leu28Phe)

Gene: PCCB (propionyl-CoA carboxylase subunit beta; plus strand). Cytogenetic location: 3q22.3.
Variant type: single nucleotide variant.
Coding change: c.82C>T on transcript NM_000532.5 (MANE Select); coding-DNA position 82, C replaced by T.
Protein change: p.Leu28Phe; replaces leucine 28 with phenylalanine.
Molecular consequence: missense variant.
Genome position (GRCh38, 1-based): chr3:136,250,457, C>T. VCF-style: chr3-136250457-C-T. GRCh37 (hg19) VCF-style: chr3-135969299-C-T.
Other names: c.82C>T, p.Leu28Phe (NM_001178014.2); short protein forms L28F.
Identifiers: ClinVar variation 1938683 (VCV001938683.2), dbSNP rs141137691, ClinGen allele CA2631570.

ClinVar aggregate classification (germline): Uncertain significance (1 of 4 stars; one submission).

Conditions:
Propionic acidemia (PROP). Also called: GLYCINEMIA, KETOTIC; HYPERGLYCINEMIA WITH KETOACIDOSIS AND LEUKOPENIA; KETOTIC HYPERGLYCINEMIA. Identifiers: Orphanet 35, MedGen C0268579, MONDO:0011628, OMIM 606054, HP:0003571.

gnomAD v4.1: 2 of 1,609,040 alleles (0.00012%); highest among the groups gnomAD compares: Non-Finnish European, 0.00017%; no homozygotes.

Submission:

Labcorp Genetics (formerly Invitae), Labcorp
Classification: Uncertain significance for Propionic acidemia. Last evaluated: 2022-02-22. Review status: criteria provided, single submitter. Criteria: Invitae Variant Classification Sherloc (09022015). Collection method: clinical testing. Allele origin: germline.
Comment: This sequence change replaces leucine, which is neutral and non-polar, with phenylalanine, which is neutral and non-polar, at codon 28 of the PCCB protein (p.Leu28Phe). This variant is present in population databases (rs141137691, gnomAD 0.001%). This variant has not been reported in the literature in individuals affected with PCCB-related conditions. Advanced modeling of protein sequence and biophysical properties (such as structural, functional, and spatial information, amino acid conservation, physicochemical variation, residue mobility, and thermodynamic stability) performed at Invitae indicates that this missense variant is not expected to disrupt PCCB protein function. In summary, the available evidence is currently insufficient to determine the role of this variant in disease. Therefore, it has been classified as a Variant of Uncertain Significance.